The following is an entry in ClinVar:

ClinVar aggregate classification (germline): Pathogenic (1 of 4 stars; one submission).

gnomAD v4.1: 1 of 1,614,120 alleles (0.000062%); highest among the groups gnomAD compares: Non-Finnish European, 0.000085%; no homozygotes.

Submission:

Labcorp Genetics (formerly Invitae), Labcorp
Classification: Pathogenic. Last evaluated: 2022-12-17. Review status: criteria provided, single submitter. Criteria: Invitae Variant Classification Sherloc (09022015). Collection method: clinical testing. Allele origin: germline.
Comment: This sequence change creates a premature translational stop signal (p.Gln2470*) in the SZT2 gene. It is expected to result in an absent or disrupted protein product. Loss-of-function variants in SZT2 are known to be pathogenic (PMID: 23932106, 27248490, 28556953). This variant is not present in population databases (gnomAD no frequency). This variant has not been reported in the literature in individuals affected with SZT2-related conditions. Algorithms developed to predict the effect of sequence changes on RNA splicing suggest that this variant may disrupt the consensus splice site. For these reasons, this variant has been classified as Pathogenic.

Literature cited by the submitters: PubMed 23932106; PubMed 27248490; PubMed 28556953.

NM_001365999.1(SZT2):c.7579C>T (p.Gln2527Ter)

Gene: SZT2 (SZT2 subunit of KICSTOR complex; plus strand). Cytogenetic location: 1p34.2.
Variant type: single nucleotide variant.
Coding change: c.7579C>T on transcript NM_001365999.1 (MANE Select); coding-DNA position 7579, C replaced by T.
Protein change: p.Gln2527Ter; replaces glutamine 2527 with a stop codon.
Molecular consequence: nonsense.
Genome position (GRCh38, 1-based): chr1:43,441,571, C>T. VCF-style: chr1-43441571-C-T. GRCh37 (hg19) VCF-style: chr1-43907242-C-T.
Other names: c.7408C>T, p.Gln2470Ter (NM_015284.4); short protein forms Q2527*, Q2470*.
Identifiers: ClinVar variation 1959973 (VCV001959973.5), dbSNP rs2545850643, ClinGen allele CA340035352.